The following is an entry in ClinVar:

NM_001009944.3(PKD1):c.6895G>C (p.Ala2299Pro)

Gene: PKD1 (polycystin 1, transient receptor potential channel interacting; minus strand). Cytogenetic location: 16p13.3.
Variant type: single nucleotide variant.
Coding change: c.6895G>C on transcript NM_001009944.3 (MANE Select); coding-DNA position 6895, G replaced by C.
Protein change: p.Ala2299Pro; replaces alanine 2299 with proline.
Molecular consequence: missense variant.
Genome position (GRCh38, 1-based): chr16:2,108,272, C>G on the plus strand (G>C on the coding strand, the complement: PKD1 is on the minus strand). VCF-style: chr16-2108272-C-G. GRCh37 (hg19) VCF-style: chr16-2158273-C-G.
Other names: c.6895G>C, p.Ala2299Pro (NM_000296.4); short protein forms A2299P.
Identifiers: ClinVar variation 4796768 (VCV004796768.1).

ClinVar aggregate classification (germline): Uncertain significance (1 of 4 stars; one submission).

Conditions:
Polycystic kidney disease, adult type (PKD1). Also called: Polycystic Kidney, Autosomal Dominant; POLYCYSTIC KIDNEY DISEASE, ADULT, TYPE I; Polycystic Kidney Disease 1, Autosomal Dominant; Polycystic kidney disease 1; Polycystic kidney disease 1, severe; POLYCYSTIC KIDNEY DISEASE 1 WITH OR WITHOUT POLYCYSTIC LIVER DISEASE. Identifiers: MedGen C3149841, MONDO:0008263, OMIM 173900.

Submission:

MVZ Medizinische Genetik Mainz
Classification: Uncertain significance for Polycystic kidney disease, adult type. Last evaluated: 2026-01-21. Review status: criteria provided, single submitter. Criteria: UK Practice Guidelines For Variant Classification V4 01 2020. Collection method: clinical testing. Allele origin: germline. Inheritance: Autosomal dominant inheritance. Affected: yes. Observed: 1 variant allele.
Comment: ACMG Criteria: PM2_SUP,PP4